The following is an entry in ClinVar:

NM_000038.6(APC):c.5318C>G (p.Thr1773Ser)

Gene: APC (APC regulator of Wnt signaling pathway; plus strand). Cytogenetic location: 5q22.2.
Variant type: single nucleotide variant.
Coding change: c.5318C>G on transcript NM_000038.6 (MANE Select); coding-DNA position 5318, C replaced by G.
Protein change: p.Thr1773Ser; replaces threonine 1773 with serine.
Molecular consequence: missense variant.
Genome position (GRCh38, 1-based): chr5:112,840,912, C>G. VCF-style: chr5-112840912-C-G. GRCh37 (hg19) VCF-style: chr5-112176609-C-G.
Other names: c.5318C>G, p.Thr1773Ser (NM_001127510.3, NM_001354895.2, NM_001407450.1); c.5264C>G, p.Thr1755Ser (NM_001127511.3); c.5372C>G, p.Thr1791Ser (NM_001354896.2, NM_001407447.1, NM_001407448.1 and 1 more transcripts); c.5348C>G, p.Thr1783Ser (NM_001354897.2); c.5243C>G, p.Thr1748Ser (NM_001354898.2); c.5234C>G, p.Thr1745Ser (NM_001354899.2); c.5195C>G, p.Thr1732Ser (NM_001354900.2); c.5141C>G, p.Thr1714Ser (NM_001354901.2, NM_001407453.1); and 11 more; short protein forms T1745S, T1763S, T1389S, T1613S, T1644S, T1647S, T1672S, T1748S.
Identifiers: ClinVar variation 2015366 (VCV002015366.4), dbSNP rs1554086634, ClinGen allele CA16032961.

ClinVar aggregate classification (germline): Uncertain significance (1 of 4 stars; one submission).

Conditions:
Familial adenomatous polyposis 1 (FAP1). Also called: FAMILIAL ADENOMATOUS POLYPOSIS 1, ATTENUATED; POLYPOSIS, ADENOMATOUS INTESTINAL. Identifiers: MedGen C2713442, MONDO:0021056, OMIM 175100. Disease mechanism: loss of function.

Submission:

Labcorp Genetics (formerly Invitae), Labcorp
Classification: Uncertain significance for Familial adenomatous polyposis 1. Last evaluated: 2024-12-24. Review status: criteria provided, single submitter. Criteria: Invitae Variant Classification Sherloc (09022015). Collection method: clinical testing. Allele origin: germline.
Comment: This sequence change replaces threonine, which is neutral and polar, with serine, which is neutral and polar, at codon 1773 of the APC protein (p.Thr1773Ser). This variant is not present in population databases (gnomAD no frequency). This variant has not been reported in the literature in individuals affected with APC-related conditions. ClinVar contains an entry for this variant (Variation ID: 2015366). Invitae Evidence Modeling of protein sequence and biophysical properties (such as structural, functional, and spatial information, amino acid conservation, physicochemical variation, residue mobility, and thermodynamic stability) indicates that this missense variant is not expected to disrupt APC protein function with a negative predictive value of 95%. In summary, the available evidence is currently insufficient to determine the role of this variant in disease. Therefore, it has been classified as a Variant of Uncertain Significance.